The following is an entry in ClinVar:

ClinVar aggregate classification (germline): Uncertain significance (1 of 4 stars; one submission).

Submission:

Mayo Clinic Laboratories, Mayo Clinic
Classification: Uncertain significance. Last evaluated: 2022-08-09. Review status: criteria provided, single submitter. Criteria: ACMG Guidelines, 2015. Collection method: clinical testing. Allele origin: germline. Observed: 1 variant allele.
Comment: PM2_supporting

NM_030787.4(CFHR5):c.1558_1559del (p.Gln520fs)

Gene: CFHR5 (complement factor H related 5; plus strand). Cytogenetic location: 1q31.3.
Variant type: Deletion.
Coding change: c.1558_1559del on transcript NM_030787.4 (MANE Select); coding-DNA positions 1558 to 1559, 2 bases deleted (CA; older notation c.1558_1559delCA).
Protein change: p.Gln520fs; shifts the reading frame from glutamine 520.
Molecular consequence: frameshift variant.
Genome position (GRCh38, 1-based): chr1:197,008,531-197,008,532, CA deleted; deleting any 2 consecutive bases within chr1:197,008,530-197,008,532 gives the same sequence; the c. name uses the placement nearest the transcript's 3' end. VCF-style (leftmost placement, unchanged base first): chr1-197008529-TAC-T. GRCh37 (hg19) VCF-style: chr1-196977659-TAC-T.
Other names: p.Gln520Valfs*18; c.1558_1559delCA, p.Gln520Valfs (NM_030787.3); short protein forms Q520fs.
Identifiers: ClinVar variation 2682712 (VCV002682712.1), dbSNP rs1279656189, ClinGen allele CA729726006.